The following is an entry in ClinVar:

ClinVar aggregate classification (germline): Uncertain significance (1 of 4 stars; one submission).

gnomAD v4.1: 6 of 1,614,120 alleles (0.00037%); highest among the groups gnomAD compares: Non-Finnish European, 0.00051%; no homozygotes.

Submission:

Labcorp Genetics (formerly Invitae), Labcorp
Classification: Uncertain significance. Last evaluated: 2025-03-05. Review status: criteria provided, single submitter. Criteria: Invitae Variant Classification Sherloc (09022015). Collection method: clinical testing. Allele origin: germline.
Comment: This sequence change replaces methionine, which is neutral and non-polar, with isoleucine, which is neutral and non-polar, at codon 238 of the SLC25A4 protein (p.Met238Ile). This variant is present in population databases (no rsID available, gnomAD 0.007%). This variant has not been reported in the literature in individuals affected with SLC25A4-related conditions. Invitae Evidence Modeling of protein sequence and biophysical properties (such as structural, functional, and spatial information, amino acid conservation, physicochemical variation, residue mobility, and thermodynamic stability) indicates that this missense variant is not expected to disrupt SLC25A4 protein function with a negative predictive value of 80%. In summary, the available evidence is currently insufficient to determine the role of this variant in disease. Therefore, it has been classified as a Variant of Uncertain Significance.

NM_001151.4(SLC25A4):c.714G>A (p.Met238Ile)

Gene: SLC25A4 (solute carrier family 25 member 4; plus strand). Cytogenetic location: 4q35.1.
Variant type: single nucleotide variant.
Coding change: c.714G>A on transcript NM_001151.4 (MANE Select); coding-DNA position 714, G replaced by A.
Protein change: p.Met238Ile; replaces methionine 238 with isoleucine.
Molecular consequence: missense variant.
Genome position (GRCh38, 1-based): chr4:185,145,874, G>A. VCF-style: chr4-185145874-G-A. GRCh37 (hg19) VCF-style: chr4-186067028-G-A.
Other names: short protein forms M238I.
Identifiers: ClinVar variation 4803171 (VCV004803171.1).